The following is an entry in ClinVar:

NM_145020.5(CFAP53):c.740C>T (p.Ala247Val)

Gene: CFAP53 (cilia and flagella associated protein 53; minus strand). Cytogenetic location: 18q21.1.
Variant type: single nucleotide variant.
Coding change: c.740C>T on transcript NM_145020.5 (MANE Select); coding-DNA position 740, C replaced by T.
Protein change: p.Ala247Val; replaces alanine 247 with valine.
Molecular consequence: missense variant.
Genome position (GRCh38, 1-based): chr18:50,251,518, G>A on the plus strand (C>T on the coding strand, the complement: CFAP53 is on the minus strand). VCF-style: chr18-50251518-G-A. GRCh37 (hg19) VCF-style: chr18-47777888-G-A.
Other names: short protein forms A247V.
Identifiers: ClinVar variation 540465 (VCV000540465.7), dbSNP rs765953509, ClinGen allele CA8962322.

ClinVar aggregate classification (germline): Uncertain significance (1 of 4 stars; one submission).

Conditions:
Heterotaxy, visceral, 6, autosomal (HTX6). Also called: Heterotaxy, visceral, 6, autosomal recessive. Identifiers: Orphanet 450, MedGen C3553676, MONDO:0013887, OMIM 614779.

Allele frequency attached by ClinVar (database versions not stated): gnomAD exomes 0.00002 and 0.00001; TOPMed 0.00001; gnomAD 0.00001; ExAC 0.00002.
gnomAD v4.1: 10 of 1,613,792 alleles (0.00062%); highest among the groups gnomAD compares: East Asian, 0.0045%; no homozygotes.

Submission:

Labcorp Genetics (formerly Invitae), Labcorp
Classification: Uncertain significance for Heterotaxy, visceral, 6, autosomal. Last evaluated: 2017-10-27. Review status: criteria provided, single submitter. Criteria: Invitae Variant Classification Sherloc (09022015). Collection method: clinical testing. Allele origin: germline.
Comment: This variant is present in population databases (rs765953509, ExAC 0.02%). This variant has not been reported in the literature in individuals with CFAP53-related disease. Algorithms developed to predict the effect of missense changes on protein structure and function (SIFT, PolyPhen-2, Align-GVGD) all suggest that this variant is likely to be tolerated, but these predictions have not been confirmed by published functional studies and their clinical significance is uncertain. In summary, the available evidence is currently insufficient to determine the role of this variant in disease. Therefore, it has been classified as a Variant of Uncertain Significance. This sequence change replaces alanine with valine at codon 247 of the CFAP53 protein (p.Ala247Val). The alanine residue is moderately conserved and there is a small physicochemical difference between alanine and valine.